The following is an entry in ClinVar:

NM_015272.5(RPGRIP1L):c.3619A>T (p.Ile1207Phe)

Gene: RPGRIP1L (RPGRIP1 like; minus strand). Cytogenetic location: 16q12.2.
Variant type: single nucleotide variant.
Coding change: c.3619A>T on transcript NM_015272.5 (MANE Select); coding-DNA position 3619, A replaced by T.
Protein change: p.Ile1207Phe; replaces isoleucine 1207 with phenylalanine.
Molecular consequence: missense variant.
Genome position (GRCh38, 1-based): chr16:53,611,049, T>A on the plus strand (A>T on the coding strand, the complement: RPGRIP1L is on the minus strand). VCF-style: chr16-53611049-T-A. GRCh37 (hg19) VCF-style: chr16-53644961-T-A.
Other names: c.3379A>T, p.Ile1127Phe (NM_001127897.4); c.3481A>T, p.Ile1161Phe (NM_001308334.3); c.3517A>T, p.Ile1173Phe (NM_001330538.2); short protein forms I1127F, I1161F, I1173F, I1207F.
Identifiers: ClinVar variation 3355360 (VCV003355360.1).
Genomic context (GRCh38, chr16:53,611,049, plus strand): 5'-TTTGTAGTATAGCTTTTAAGATGTCTCTCTTTGCTTTGTTGTTTTCTTTATCCACGTAGA[T>A]CACTATACCAAAAGAAAAAAAAATGCCAAAAAGGAAGTCACTCAGGAATAGGCTACATTA-3'
Protein context (NP_056087.2, residues 1197-1217): QWVYYNYSNV[Ile1207Phe]YVDKENNKAK

ClinVar aggregate classification (germline): Uncertain significance (0 of 4 stars; one submission).

Conditions:
RPGRIP1L-related disorder. Also called: RPGRIP1L-related condition; RPGRIP1L-related disorders. Identifiers: MedGen CN239416.

gnomAD v4.1: 3 of 1,608,668 alleles (0.00019%); highest among the groups gnomAD compares: African/African-American, 0.0027%; no homozygotes.

Submission:

PreventionGenetics, part of Exact Sciences
Classification: Uncertain significance for RPGRIP1L-related condition. Last evaluated: 2024-06-28. Review status: no assertion criteria provided. Collection method: clinical testing. Allele origin: germline.
Comment: The RPGRIP1L c.3619A>T variant is predicted to result in the amino acid substitution p.Ile1207Phe. To our knowledge, this variant has not been reported in the literature or in a large population database, indicating this variant is rare. At this time, the clinical significance of this variant is uncertain due to the absence of conclusive functional and genetic evidence.